The following is an entry in ClinVar:

ClinVar aggregate classification (germline): Uncertain significance (1 of 4 stars; one submission).

Conditions:
Cardiovascular phenotype. Identifiers: MedGen CN230736.

Submission:

Ambry Genetics
Classification: Uncertain significance for Cardiovascular phenotype. Last evaluated: 2022-09-08. Review status: criteria provided, single submitter. Criteria: Ambry Variant Classification Scheme 2023. Collection method: clinical testing. Allele origin: germline.
Comment: The p.C424Y variant (also known as c.1271G>A), located in coding exon 11 of the RAF1 gene, results from a G to A substitution at nucleotide position 1271. The cysteine at codon 424 is replaced by tyrosine, an amino acid with highly dissimilar properties. This amino acid position is conserved. In addition, this alteration is predicted to be deleterious by in silico analysis. Since supporting evidence is limited at this time, the clinical significance of this alteration remains unclear.

NM_002880.4(RAF1):c.1271G>A (p.Cys424Tyr)

Gene: RAF1 (Raf-1 proto-oncogene, serine/threonine kinase; minus strand). Cytogenetic location: 3p25.2.
Variant type: single nucleotide variant.
Coding change: c.1271G>A on transcript NM_002880.4 (MANE Select); coding-DNA position 1271, G replaced by A.
Protein change: p.Cys424Tyr; replaces cysteine 424 with tyrosine.
Molecular consequence: missense variant. On other transcripts: non-coding transcript variant (3).
Genome position (GRCh38, 1-based): chr3:12,590,897, C>T on the plus strand (G>A on the coding strand, the complement: RAF1 is on the minus strand). VCF-style: chr3-12590897-C-T. GRCh37 (hg19) VCF-style: chr3-12632396-C-T.
Other names: c.1331G>A, p.Cys444Tyr (NM_001354689.3); c.1271G>A, p.Cys424Tyr (NM_001354690.3); c.1028G>A, p.Cys343Tyr (NM_001354691.3, NM_001354692.3); c.1172G>A, p.Cys391Tyr (NM_001354693.3); c.1088G>A, p.Cys363Tyr (NM_001354694.3); c.929G>A, p.Cys310Tyr (NM_001354695.3); short protein forms C310Y, C343Y, C391Y, C363Y, C424Y, C444Y.
Identifiers: ClinVar variation 1765590 (VCV001765590.2), dbSNP rs2470228928, ClinGen allele CA351502188.